The following is an entry in ClinVar:

NM_002474.3(MYH11):c.1865-16T>G

Gene: MYH11 (myosin heavy chain 11; minus strand). Cytogenetic location: 16p13.11.
Variant type: single nucleotide variant.
Coding change: c.1865-16T>G on transcript NM_002474.3 (MANE Select); 16 bases into the intron before coding-DNA position 1865, T replaced by G.
Molecular consequence: intron variant.
Genome position (GRCh38, 1-based): chr16:15,750,347, A>C on the plus strand (T>G on the coding strand, the complement: MYH11 is on the minus strand). VCF-style: chr16-15750347-A-C. GRCh37 (hg19) VCF-style: chr16-15844204-A-C.
Other names: c.1865-16T>G (NM_022844.3); c.1886-16T>G (NM_001040114.2, NM_001040113.2).
Identifiers: ClinVar variation 385094 (VCV000385094.3), dbSNP rs373250465, ClinGen allele CA7922479.

ClinVar aggregate classification (germline): Likely benign. Review status: criteria provided, multiple submitters, no conflicts (2 of 4 stars). 2 submissions from 2 submitters: Likely benign (2). Last evaluated 2026-01-04.

Conditions:
Aortic aneurysm, familial thoracic 4 (AAT4). Also called: AORTIC ANEURYSM/AORTIC DISSECTION AND PATENT DUCTUS ARTERIOSUS. Identifiers: MedGen C1851504, MONDO:0007568, OMIM 132900.

Allele frequency attached by ClinVar (database versions not stated): gnomAD exomes 0.00001 and 0.00002; TOPMed 0.00001; ExAC 0.00002; gnomAD 0.00002; ESP Exome Variant Server 0.00008.

Submissions (2):

Labcorp Genetics (formerly Invitae), Labcorp
Classification: Likely benign for Aortic aneurysm, familial thoracic 4. Last evaluated: 2026-01-04. Review status: criteria provided, single submitter. Criteria: Invitae Variant Classification Sherloc (09022015). Collection method: clinical testing. Allele origin: germline.

GeneDx
Classification: Likely benign. Last evaluated: 2017-08-15. Review status: criteria provided, single submitter. Criteria: GeneDx Variant Classification (06012015). Collection method: clinical testing. Allele origin: germline. Affected: yes.
Comment: This variant is considered likely benign or benign based on one or more of the following criteria: it is a conservative change, it occurs at a poorly conserved position in the protein, it is predicted to be benign by multiple in silico algorithms, and/or has population frequency not consistent with disease.